The following is an entry in ClinVar:

NM_005359.6(SMAD4):c.973T>A (p.Ser325Thr)

Gene: SMAD4 (SMAD family member 4; plus strand). Cytogenetic location: 18q21.2.
Variant type: single nucleotide variant.
Coding change: c.973T>A on transcript NM_005359.6 (MANE Select); coding-DNA position 973, T replaced by A.
Protein change: p.Ser325Thr; replaces serine 325 with threonine.
Molecular consequence: missense variant.
Genome position (GRCh38, 1-based): chr18:51,065,440, T>A. VCF-style: chr18-51065440-T-A. GRCh37 (hg19) VCF-style: chr18-48591810-T-A.
Other names: c.973T>A, p.Ser325Thr (NM_001407041.1, NM_001407042.1, NM_001407043.1); short protein forms S325T.
Identifiers: ClinVar variation 1720633 (VCV001720633.5), dbSNP rs2144446438, ClinGen allele CA402464115.

ClinVar aggregate classification (germline): Uncertain significance (1 of 4 stars; one submission).

Conditions:
Juvenile polyposis syndrome (JPS). Identifiers: Orphanet 2929, MedGen C0345893, MONDO:0017380, OMIM 174900.

Submission:

Labcorp Genetics (formerly Invitae), Labcorp
Classification: Uncertain significance for Juvenile polyposis syndrome. Last evaluated: 2022-09-28. Review status: criteria provided, single submitter. Criteria: Invitae Variant Classification Sherloc (09022015). Collection method: clinical testing. Allele origin: germline.
Comment: This variant is not present in population databases (gnomAD no frequency). This variant has not been reported in the literature in individuals affected with SMAD4-related conditions. Advanced modeling of protein sequence and biophysical properties (such as structural, functional, and spatial information, amino acid conservation, physicochemical variation, residue mobility, and thermodynamic stability) has been performed at Invitae for this missense variant, however the output from this modeling did not meet the statistical confidence thresholds required to predict the impact of this variant on SMAD4 protein function. In summary, the available evidence is currently insufficient to determine the role of this variant in disease. Therefore, it has been classified as a Variant of Uncertain Significance. This sequence change replaces serine, which is neutral and polar, with threonine, which is neutral and polar, at codon 325 of the SMAD4 protein (p.Ser325Thr).